The following is an entry in ClinVar:

NM_020831.6(MRTFA):c.928-3C>T

Gene: MRTFA (myocardin related transcription factor A; minus strand). Cytogenetic location: 22q13.1.
Variant type: single nucleotide variant.
Coding change: c.928-3C>T on transcript NM_020831.6 (MANE Select); 3 bases into the intron before coding-DNA position 928, C replaced by T.
Molecular consequence: intron variant.
Genome position (GRCh38, 1-based): chr22:40,421,103, G>A on the plus strand (C>T on the coding strand, the complement: MRTFA is on the minus strand). VCF-style: chr22-40421103-G-A. GRCh37 (hg19) VCF-style: chr22-40817107-G-A.
Other names: c.778-3C>T (NM_001282661.3); c.928-3C>T (NM_001282662.3); c.733-3C>T (NM_001318139.2); c.628-3C>T (NM_001282660.2).
Identifiers: ClinVar variation 1683130 (VCV001683130.6), dbSNP rs774052423, ClinGen allele CA10249824.
Genomic context (GRCh38, chr22:40,421,103, plus strand): 5'-GCTCCTTGGCCTTCTTGCTGCGCTGTGACTTCTCACTGGCAGACTTGGGTTGGCTTTGCT[G>A]AGGGCACAGGAGACAGGGTGCCATTCAGGGGCAGCCTCAGGCTTCTCGGGGTGGGGCTGG-3'

ClinVar aggregate classification (germline): Uncertain significance (1 of 4 stars; one submission).

Allele frequency attached by ClinVar (database versions not stated): gnomAD 0.00001; gnomAD exomes 0.00001; ExAC 0.00002.
gnomAD v4.1: 19 of 1,519,812 alleles (0.0013%); highest among the groups gnomAD compares: Middle Eastern, 0.018%; no homozygotes.

Submission:

Labcorp Genetics (formerly Invitae), Labcorp
Classification: Uncertain significance. Last evaluated: 2024-04-06. Review status: criteria provided, single submitter. Criteria: Invitae Variant Classification Sherloc (09022015). Collection method: clinical testing. Allele origin: germline.
Comment: This sequence change falls in intron 9 of the MKL1 gene. It does not directly change the encoded amino acid sequence of the MKL1 protein. It affects a nucleotide within the consensus splice site. This variant is present in population databases (rs774052423, gnomAD 0.003%). This variant has not been reported in the literature in individuals affected with MKL1-related conditions. ClinVar contains an entry for this variant (Variation ID: 1683130). Variants that disrupt the consensus splice site are a relatively common cause of aberrant splicing (PMID: 17576681, 9536098). Algorithms developed to predict the effect of sequence changes on RNA splicing suggest that this variant is not likely to affect RNA splicing. In summary, the available evidence is currently insufficient to determine the role of this variant in disease. Therefore, it has been classified as a Variant of Uncertain Significance.

Literature cited by the submitters: PubMed 17576681; PubMed 9536098.